The following is an entry in ClinVar:

ClinVar aggregate classification (germline): Conflicting classifications of pathogenicity. Review status: criteria provided, conflicting classifications (1 of 4 stars). 3 submissions from 3 submitters: Uncertain significance (2); Likely benign (1). Last evaluated 2023-01-06.

Conditions:
Fetal akinesia deformation sequence 3. Identifiers: MedGen C4760599, MONDO:0100103, OMIM 618389.
Congenital myasthenic syndrome 10. Also called: Myasthenia, limb-girdle, familial. Identifiers: Orphanet 590, MedGen C1850792, MONDO:0009690, OMIM 254300.
Fetal akinesia deformation sequence 1 (FADS1). Also called: Pena-Shokeir syndrome type I; Fetal akinesia sequence. Identifiers: Orphanet 994, MedGen C1276035, MONDO:0100101, OMIM 208150, HP:0001989.

Allele frequency attached by ClinVar (database versions not stated): gnomAD 0.00001; TOPMed 0.00003; gnomAD exomes 0.00006; ExAC 0.00007.
gnomAD v4.1: 35 of 1,570,478 alleles (0.0022%); highest among the groups gnomAD compares: East Asian, 0.021%; no homozygotes.

Submissions (3):

GeneDx
Classification: Likely benign. Last evaluated: 2023-01-06. Review status: criteria provided, single submitter. Criteria: GeneDx Variant Classification Process June 2021. Collection method: clinical testing. Allele origin: germline. Affected: yes.
Comment: Has not been previously published as pathogenic or benign to our knowledge; Nucleotide substitution is not conserved across species; In silico analysis supports that this variant does not alter splicing

Labcorp Genetics (formerly Invitae), Labcorp
Classification: Uncertain significance for Congenital myasthenic syndrome 10; Fetal akinesia deformation sequence 1. Last evaluated: 2020-03-14. Review status: criteria provided, single submitter. Criteria: Invitae Variant Classification Sherloc (09022015). Collection method: clinical testing. Allele origin: germline.
Comment: This sequence change falls in intron 5 of the DOK7 gene. It does not directly change the encoded amino acid sequence of the DOK7 protein, but it affects a nucleotide within the consensus splice site of the intron. This variant is present in population databases (rs772918388, ExAC 0.03%). This variant has not been reported in the literature in individuals with DOK7-related conditions. Nucleotide substitutions within the consensus splice site are a relatively common cause of aberrant splicing (PMID: 17576681, 9536098). Algorithms developed to predict the effect of sequence changes on RNA splicing suggest that this variant may disrupt the consensus splice site, but this prediction has not been confirmed by published transcriptional studies. In summary, the available evidence is currently insufficient to determine the role of this variant in disease. Therefore, it has been classified as a Variant of Uncertain Significance.

Juno Genomics, Hangzhou Juno Genomics, Inc
Classification: Uncertain significance for Fetal akinesia deformation sequence 3; Congenital myasthenic syndrome 10. Review status: criteria provided, single submitter. Criteria: ACMG Guidelines, 2015. Collection method: clinical testing. Allele origin: germline.
Comment: Absent from controls (or at extremely low frequency if recessive) in Genome Aggregation Database.;Multiple lines of computational evidence support a deleterious effect on the gene or gene product.

Literature cited by the submitters: PubMed 17576681 (cited by Labcorp Genetics (formerly Invitae), Labcorp); PubMed 9536098 (cited by Labcorp Genetics (formerly Invitae), Labcorp).

NM_173660.5(DOK7):c.652+5G>A

Gene: DOK7 (docking protein 7; plus strand). Cytogenetic location: 4p16.3.
Variant type: single nucleotide variant.
Coding change: c.652+5G>A on transcript NM_173660.5 (MANE Select); 5 bases into the intron after coding-DNA position 652, G replaced by A.
Molecular consequence: intron variant.
Genome position (GRCh38, 1-based): chr4:3,485,663, G>A. VCF-style: chr4-3485663-G-A. GRCh37 (hg19) VCF-style: chr4-3487390-G-A.
Other names: c.652+5G>A (NM_001301071.2); c.220+5G>A (NM_001363811.2); c.641+5G>A (NM_001164673.2); c.-279+5G>A (NM_001256896.2).
Identifiers: ClinVar variation 1024293 (VCV001024293.7), dbSNP rs772918388, ClinGen allele CA2829104.